The following is an entry in ClinVar:

ClinVar aggregate classification (germline): Likely benign. Review status: criteria provided, multiple submitters, no conflicts (2 of 4 stars). 3 submissions from 3 submitters: Likely benign (2). 1 of the submissions does not count toward it. Last evaluated 2025-12-11.

Conditions:
Hypercalcemia, infantile, 2 (HCINF2). Identifiers: Orphanet 300547, MedGen C4310473, MONDO:0014851, OMIM 616963.
Fanconi renotubular syndrome 2 (FRTS2). Identifiers: MedGen C3150652, MONDO:0013247, OMIM 613388.
Hypophosphatemic nephrolithiasis/osteoporosis 1. Identifiers: Orphanet 244305, MedGen C2676786, MONDO:0012850, OMIM 612286.
SLC34A1-related disorder. Also called: SLC34A1-related condition; SLC34A1-related disorders.

Allele frequency attached by ClinVar (database versions not stated): 1000 Genomes Project 30x 0.00016; 1000 Genomes Project 0.00020.
gnomAD v4.1: 63 of 1,614,214 alleles (0.0039%); highest among the groups gnomAD compares: East Asian, 0.0089%; no homozygotes.

Submissions (3):

Labcorp Genetics (formerly Invitae), Labcorp
Classification: Likely benign. Last evaluated: 2025-12-11. Review status: criteria provided, single submitter. Criteria: Invitae Variant Classification Sherloc (09022015). Collection method: clinical testing. Allele origin: germline.

Fulgent Genetics
Classification: Likely benign for Hypophosphatemic nephrolithiasis/osteoporosis 1; Fanconi renotubular syndrome 2; Hypercalcemia, infantile, 2. Last evaluated: 2024-02-23. Review status: criteria provided, single submitter. Criteria: ACMG Guidelines, 2015. Collection method: clinical testing. Allele origin: germline.

PreventionGenetics, part of Exact Sciences
Classification: Likely benign for SLC34A1-related condition. Last evaluated: 2023-02-17. Review status: no assertion criteria provided. Collection method: clinical testing. Allele origin: germline. Not counted in ClinVar's aggregate classification.
Comment: This variant is classified as likely benign based on ACMG/AMP sequence variant interpretation guidelines (Richards et al. 2015 PMID: 25741868, with internal and published modifications).

NM_003052.5(SLC34A1):c.1227C>T (p.Gly409=)

Gene: SLC34A1 (solute carrier family 34 member 1; plus strand). Cytogenetic location: 5q35.3.
Variant type: single nucleotide variant.
Coding change: c.1227C>T on transcript NM_003052.5 (MANE Select); coding-DNA position 1227, C replaced by T.
Protein change: p.Gly409=; no amino-acid change (glycine 409 retained).
Molecular consequence: synonymous variant.
Genome position (GRCh38, 1-based): chr5:177,396,785, C>T. VCF-style: chr5-177396785-C-T. GRCh37 (hg19) VCF-style: chr5-176823786-C-T.
Other names: c.1227C>T (NM_003052.4).
Identifiers: ClinVar variation 1670224 (VCV001670224.11), dbSNP rs145542852, ClinGen allele CA3580702.